The following is an entry in ClinVar:

NM_004360.5(CDH1):c.2386del (p.Arg796fs)

Gene: CDH1 (cadherin 1; plus strand). Cytogenetic location: 16q22.1.
Variant type: Deletion.
Coding change: c.2386del on transcript NM_004360.5 (MANE Select); coding-DNA position 2386, one base deleted (C; older notation c.2386delC).
Protein change: p.Arg796fs; shifts the reading frame from arginine 796.
Molecular consequence: frameshift variant.
Genome position (GRCh38, 1-based): chr16:68,829,744, C deleted; the last of 5 consecutive C bases (chr16:68,829,740-68,829,744); deleting any one gives the same sequence. VCF-style (leftmost placement, unchanged base first): chr16-68829739-TC-T. GRCh37 (hg19) VCF-style: chr16-68863642-TC-T.
Other names: c.2203del, p.Arg735fs (NM_001317184.2); c.838del, p.Arg280fs (NM_001317185.2); c.421del, p.Arg141fs (NM_001317186.2); c.2386delC (NM_004360.4); c.2386del (NM_004360.4); short protein forms R280fs, R735fs, R796fs, R141fs.
Identifiers: ClinVar variation 821190 (VCV000821190.9), dbSNP rs1375617541, ClinGen allele CA915949329.

ClinVar aggregate classification (germline): Pathogenic/Likely pathogenic. Review status: criteria provided, multiple submitters, no conflicts (2 of 4 stars). 4 submissions from 4 submitters: Pathogenic (3); Likely pathogenic (1). Last evaluated 2024-09-22.

Conditions:
Hereditary cancer-predisposing syndrome. Also called: Hereditary Cancer Syndrome; Neoplastic Syndromes, Hereditary; Hereditary neoplastic syndrome; Tumor predisposition. Identifiers: Orphanet 140162, MedGen C0027672, MeSH D009386, MONDO:0015356.
Hereditary diffuse gastric adenocarcinoma (HDGC). Also called: DIFFUSE GASTRIC AND LOBULAR BREAST CANCER SYNDROME. Identifiers: Orphanet 26106, MedGen C1708349, MONDO:0007648, OMIM 137215.
Familial cancer of breast. Also called: Hereditary breast cancer; hereditary breast carcinoma; BREAST CANCER, FAMILIAL. Identifiers: Orphanet 227535, MedGen C0346153, MONDO:0016419, OMIM 114480. Disease mechanism: loss of function.

Submissions (4):

Labcorp Genetics (formerly Invitae), Labcorp
Classification: Pathogenic for Hereditary diffuse gastric adenocarcinoma. Last evaluated: 2024-09-22. Review status: criteria provided, single submitter. Criteria: Invitae Variant Classification Sherloc (09022015). Collection method: clinical testing. Allele origin: germline.
Comment: This sequence change creates a premature translational stop signal (p.Arg796Glyfs*20) in the CDH1 gene. While this is not anticipated to result in nonsense mediated decay, it is expected to disrupt the last 87 amino acid(s) of the CDH1 protein. This variant is not present in population databases (gnomAD no frequency). This premature translational stop signal has been observed in individual(s) with CDH1-related conditions (PMID: 23709761, 36436516). ClinVar contains an entry for this variant (Variation ID: 821190). This variant disrupts a region of the CDH1 protein in which other variant(s) (p.Phe810Leufs*6) have been determined to be pathogenic (PMID: 26182300; Internal data). This suggests that this is a clinically significant region of the protein, and that variants that disrupt it are likely to be disease-causing. For these reasons, this variant has been classified as Pathogenic.

Ambry Genetics
Classification: Pathogenic for Hereditary cancer-predisposing syndrome. Last evaluated: 2022-10-13. Review status: criteria provided, single submitter. Criteria: Ambry Variant Classification Scheme 2023. Collection method: clinical testing. Allele origin: germline.
Comment: The c.2386delC pathogenic mutation, located in coding exon 15 of the CDH1 gene, results from a deletion of one nucleotide at nucleotide position 2386, causing a translational frameshift with a predicted alternate stop codon (p.R796Gfs*20). This alteration is not expected to trigger nonsense-mediated mRNA decay, however, several other alterations with stop codons at the same position have been identified in individuals with lobular breast cancer and/or diffuse gastric cancer (Kaurah P et al. JAMA. 2007 Jun;297(21):2360-72; Petridis C et al. Br. J. Cancer. 2014 Feb;110(4):1053-7; Hansford S et al. JAMA Oncol. 2015 Apr;1(1):23-32; Ambry Internal Data). This alteration is expected to result in loss of function by premature protein truncation. As such, this alteration is interpreted as a disease-causing mutation.

European Reference Network on Genetic Tumour Risk Syndromes (ERN-GENTURIS), i3s - Instituto de Investigação e Inovação em Saúde, University of Porto
Classification: Pathogenic for Hereditary diffuse gastric adenocarcinoma. Last evaluated: 2022-08-01. Review status: criteria provided, single submitter. Criteria: Lee et al. (Hum Mutat. 2018). Collection method: clinical testing. Allele origin: germline. Inheritance: Autosomal dominant inheritance. Affected: yes. Study: ERN GENTURIS.
Comment: PVS1; PS4_Supporting; PM2 (PMID: 30311375)

Women's Health and Genetics/Laboratory Corporation of America, LabCorp
Classification: Likely pathogenic for Familial cancer of breast. Last evaluated: 2020-04-06. Review status: criteria provided, single submitter. Criteria: LabCorp Variant Classification Summary - May 2015. Collection method: clinical testing. Allele origin: germline.
Comment: Variant summary: CDH1 c.2386delC (p.Arg796GlyfsX20) results in a premature termination codon, predicted to cause a truncation of the encoded protein or absence of the protein due to nonsense mediated decay, which are commonly known mechanisms for disease. At-least one truncation downstream of this position has been classified as likely pathogenic by our laboratory. The variant was absent in 251446 control chromosomes. c.2386delC has been reported in the literature in at-least one individual affected with lobular breast cancer and a personal or family history of LBC or DGC (diffuse gastric cancer) (Benusiglio_2013) and has been subsequently cited by others (example Hansford_2015). To our knowledge, no experimental evidence demonstrating an impact on protein function has been reported. One clinical diagnostic laboratory has submitted clinical-significance assessments for this variant to ClinVar after 2014 without evidence for independent evaluation and classified the variant as pathogenic. Based on the evidence outlined above, the variant was classified as likely pathogenic.

Literature cited by the submitters: PubMed 23709761 (cited by Labcorp Genetics (formerly Invitae), Labcorp and Women's Health and Genetics/Laboratory Corporation of America, LabCorp); PubMed 36436516 (cited by Labcorp Genetics (formerly Invitae), Labcorp and European Reference Network on Genetic Tumour Risk Syndromes (ERN-GENTURIS), i3s - Instituto de Investigação e Inovação em Saúde, University of Porto); PubMed 26182300 (cited by Labcorp Genetics (formerly Invitae), Labcorp and Women's Health and Genetics/Laboratory Corporation of America, LabCorp); PubMed 26025002 (cited by Women's Health and Genetics/Laboratory Corporation of America, LabCorp).